The following is an entry in ClinVar:

NM_014055.4(IFT81):c.1024_1025del (p.Ser342fs)

Gene: IFT81 (intraflagellar transport 81; plus strand). Cytogenetic location: 12q24.11.
Variant type: Microsatellite.
Coding change: c.1024_1025del on transcript NM_014055.4 (MANE Select); coding-DNA positions 1024 to 1025, 2 bases deleted (TC; older notation c.1024_1025delTC).
Protein change: p.Ser342fs; shifts the reading frame from serine 342.
Molecular consequence: frameshift variant. On other transcripts: non-coding transcript variant (4).
Genome position (GRCh38, 1-based): chr12:110,147,031-110,147,032, TC deleted; deleting any 2 consecutive bases within chr12:110,147,028-110,147,032 gives the same sequence; the c. name uses the placement nearest the transcript's 3' end. VCF-style (leftmost placement, unchanged base first): chr12-110147027-ACT-A. GRCh37 (hg19) VCF-style: chr12-110584832-ACT-A.
Other names: c.1024_1025del, p.Ser342fs (NM_001143779.2, NM_001347946.2, NM_031473.4); c.94_95del, p.Ser32fs (NM_001347947.2, NM_001347948.2); short protein forms S32fs, S342fs.
Identifiers: ClinVar variation 1946619 (VCV001946619.5), dbSNP rs1309471182, ClinGen allele CA607560008.

ClinVar aggregate classification (germline): Pathogenic (1 of 4 stars; one submission).

Submission:

Labcorp Genetics (formerly Invitae), Labcorp
Classification: Pathogenic. Last evaluated: 2025-04-21. Review status: criteria provided, single submitter. Criteria: Invitae Variant Classification Sherloc (09022015). Collection method: clinical testing. Allele origin: germline.
Comment: This sequence change creates a premature translational stop signal (p.Ser342Thrfs*3) in the IFT81 gene. It is expected to result in an absent or disrupted protein product. Loss-of-function variants in IFT81 are known to be pathogenic (PMID: 26275418, 27666822). This variant is present in population databases (no rsID available, gnomAD 0.007%). This variant has not been reported in the literature in individuals affected with IFT81-related conditions. For these reasons, this variant has been classified as Pathogenic.

Literature cited by the submitters: PubMed 26275418; PubMed 27666822.